The following is an entry in ClinVar:

NM_022051.3(EGLN1):c.109C>T (p.Arg37Cys)

Gene: EGLN1 (egl-9 family hypoxia inducible factor 1; minus strand). Cytogenetic location: 1q42.2.
Variant type: single nucleotide variant.
Coding change: c.109C>T on transcript NM_022051.3 (MANE Select); coding-DNA position 109, C replaced by T.
Protein change: p.Arg37Cys; replaces arginine 37 with cysteine.
Molecular consequence: missense variant.
Genome position (GRCh38, 1-based): chr1:231,421,780, G>A on the plus strand (C>T on the coding strand, the complement: EGLN1 is on the minus strand). VCF-style: chr1-231421780-G-A. GRCh37 (hg19) VCF-style: chr1-231557526-G-A.
Other names: c.109C>T, p.Arg37Cys (NM_001377260.1, NM_001377261.1); short protein forms R37C.
Identifiers: ClinVar variation 1791749 (VCV001791749.3), dbSNP rs1465816214, ClinGen allele CA345239019.

ClinVar aggregate classification (germline): Uncertain significance (1 of 4 stars; one submission).

Allele frequency attached by ClinVar (database versions not stated): TOPMed below 0.00001; gnomAD 0.00001.

Submission:

Ambry Genetics
Classification: Uncertain significance. Last evaluated: 2024-03-30. Review status: criteria provided, single submitter. Criteria: Ambry Variant Classification Scheme 2023. Collection method: clinical testing. Allele origin: germline.
Comment: The p.R37C variant (also known as c.109C>T), located in coding exon 1 of the EGLN1 gene, results from a C to T substitution at nucleotide position 109. The arginine at codon 37 is replaced by cysteine, an amino acid with highly dissimilar properties. This amino acid position is conserved. In addition, the in silico prediction for this alteration is inconclusive. Since supporting evidence is limited at this time, the clinical significance of this alteration remains unclear.